The following is an entry in ClinVar:

NM_178857.6(RP1L1):c.266G>A (p.Ser89Asn)

Gene: RP1L1 (RP1 like 1). Cytogenetic location: 8p23.1.
Variant type: single nucleotide variant.
Coding change: c.266G>A on transcript NM_178857.6 (MANE Select); coding-DNA position 266, G replaced by A.
Protein change: p.Ser89Asn; replaces serine 89 with asparagine.
Molecular consequence: missense variant.
Genome position (GRCh38, 1-based): chr8:10,622,936, C>T on the plus strand (G>A on the coding strand, the complement: RP1L1 is on the minus strand). VCF-style: chr8-10622936-C-T. GRCh37 (hg19) VCF-style: chr8-10480446-C-T.
Other names: short protein forms S89N.
Identifiers: ClinVar variation 4754758 (VCV004754758.1).

ClinVar aggregate classification (germline): Uncertain significance (1 of 4 stars; one submission).

gnomAD v4.1: 19 of 1,613,960 alleles (0.0012%); highest among the groups gnomAD compares: Admixed American, 0.0033%; no homozygotes.

Submission:

Labcorp Genetics (formerly Invitae), Labcorp
Classification: Uncertain significance. Last evaluated: 2025-10-16. Review status: criteria provided, single submitter. Criteria: Invitae Variant Classification Sherloc (09022015). Collection method: clinical testing. Allele origin: germline.
Comment: This sequence change replaces serine, which is neutral and polar, with asparagine, which is neutral and polar, at codon 89 of the RP1L1 protein (p.Ser89Asn). This variant is present in population databases (rs752792709, gnomAD 0.002%). This variant has not been reported in the literature in individuals affected with RP1L1-related conditions. Invitae Evidence Modeling of protein sequence and biophysical properties (such as structural, functional, and spatial information, amino acid conservation, physicochemical variation, residue mobility, and thermodynamic stability) indicates that this missense variant is not expected to disrupt RP1L1 protein function with a negative predictive value of 80%. In summary, the available evidence is currently insufficient to determine the role of this variant in disease. Therefore, it has been classified as a Variant of Uncertain Significance.